The following is an entry in ClinVar:

ClinVar aggregate classification (germline): Likely benign (1 of 4 stars; one submission).

Conditions:
EPPK1-related disorder. Also called: EPPK1-related condition.

Submission:

PreventionGenetics, part of Exact Sciences
Classification: Likely benign for EPPK1-related condition. Last evaluated: 2022-10-17. Review status: criteria provided, single submitter. Criteria: ACMG Guidelines, 2015. Collection method: clinical testing. Allele origin: germline.
Comment: This variant is classified as likely benign based on ACMG/AMP sequence variant interpretation guidelines (Richards et al. 2015 PMID: 25741868, with internal and published modifications).

NM_031308.4(EPPK1):c.6657C>T (p.Tyr2219=)

Gene: EPPK1 (epiplakin 1; minus strand). Cytogenetic location: 8q24.3.
Variant type: single nucleotide variant.
Coding change: c.6657C>T on transcript NM_031308.4 (MANE Select); coding-DNA position 6657, C replaced by T.
Protein change: p.Tyr2219=; no amino-acid change (tyrosine 2219 retained).
Molecular consequence: synonymous variant.
Genome position (GRCh38, 1-based): chr8:143,866,597, G>A on the plus strand (C>T on the coding strand, the complement: EPPK1 is on the minus strand). VCF-style: chr8-143866597-G-A.
Identifiers: ClinVar variation 3050929 (VCV003050929.1), dbSNP rs2539010383, ClinGen allele CA848824659.
Genomic context (GRCh38, chr8:143,866,597, plus strand): 5'-GCGGCCGGGCTGGTCCTTGGCGGGCACCAGGACGCCCGCGATGCAGCTGGTGCCCTCCAG[G>A]TAGCGCTTGACGCGGTCGTCCTCCATGAGCTCTTGCGTCGTGCTCCGTCCCGTTTCCAGG-3'
Protein context (NP_112598.3, residues 2209-2229): ELMEDDRVKR[Tyr2219=]LEGTSCIAGV